The following is an entry in ClinVar:

ClinVar aggregate classification (germline): Likely pathogenic. Review status: reviewed by expert panel (3 of 4 stars). 3 submissions from 3 submitters: Likely pathogenic (1). 2 of the submissions do not count toward it. Last evaluated 2026-03-17.

Conditions:
GP9-related disorders.
Bernard Soulier syndrome (BSS). Also called: GLYCOPROTEIN Ib, PLATELET, DEFICIENCY OF; PLATELET GLYCOPROTEIN Ib DEFICIENCY; VON WILLEBRAND FACTOR RECEPTOR DEFICIENCY; Giant platelet syndrome; Hemorrhagiparous thrombocytic dystrophy; Giant platelet disease. Identifiers: Orphanet 274, MedGen C0005129, MeSH D001606, MONDO:0009276, OMIM 231200.

gnomAD v4.1: 5 of 1,588,170 alleles (0.00031%); highest among the groups gnomAD compares: Non-Finnish European, 0.00043%; no homozygotes.

Submissions (3):

ClinGen Platelet Disorders Variant Curation Expert Panel, ClinGen
Classification: Likely pathogenic for Bernard Soulier syndrome. Last evaluated: 2026-03-17. Review status: reviewed by expert panel. Criteria: ClinGen Platelet ACMG Specifications GP9 V1.0.0. Collection method: curation. Allele origin: germline. Inheritance: Autosomal recessive inheritance.
Comment: The c.404G>A variant in GP9 is a missense variant predicted to cause substitution of cysteine by tyrosine at amino acid 135 (p.Cys135Tyr). At least one patient (Patient BSS8.02 in PMID: 23402648) with this variant had aggregation absent for ristocetin and present for all other agonists and less than 10% expression of GPIba/GP9 measured by flow cytometry, which is highly specific for Bernard-Soulier syndrome (PP4). Additionally, the patient had macrothrombocytopenia which is consistent with Bernard-Soulier syndrome. This variant has been detected in at least 3 probands with Bernard-Soulier syndrome. Two of those individuals were compound heterozygous for this variant and the NM_000174.5(GP9):c.182A>G (p.Asn61Ser) variant which has been classified as Pathogenic by the PD VCEP. The phase of the variants was confirmed to be in trans in one of these patients (Internal from Versiti), but the phase was unknown in the other patient (PMID: 25370924). Additionally, one proband was homozygous for the variant (2 PM3 points, PM3_Strong). The Grpmax filtering allele frequency in gnomaDv4.1 is 0.000001250 (based on 5/1170352 alleles) in the European (non-Finnish) population, which is below the <0.0000329 threshold for PM2_supporting. In summary, this variant meets the criteria to be classified as Likely Pathogenic for autosomal recessive Bernard-Soulier syndrome based on the ACMG/AMP criteria applied, as specified by the ClinGen PD VCEP: PP4, PM2_Supporting, and PM3_Strong. (VCEP specifications version 1).

Women's Health and Genetics/Laboratory Corporation of America, LabCorp
Classification: Uncertain significance. Last evaluated: 2025-10-07. Review status: criteria provided, single submitter. Criteria: LabCorp Variant Classification Summary - May 2015. Collection method: clinical testing. Allele origin: germline. Not counted in ClinVar's aggregate classification.
Comment: Variant summary: GP9 c.404G>A (p.Cys135Tyr) results in a non-conservative amino acid change in the encoded protein sequence. Algorithms developed to predict the effect of missense changes on protein structure and function all suggest that this variant is likely to be disruptive. The variant allele was found at a frequency of 5.2e-06 in 192378 control chromosomes. c.404G>A has been observed in individual(s) affected with Bernard Soulier Syndrome (Ali_2013, Bragadottir_2015). These data indicate that the variant may be associated with disease. To our knowledge, no experimental evidence demonstrating an impact on protein function has been reported. The following publications have been ascertained in the context of this evaluation (PMID: 23402648, 25370924). No submitters have cited clinical-significance assessments for this variant to ClinVar. Based on the evidence outlined above, the variant was classified as VUS-possibly pathogenic.

Blueprint Genetics
Classification: Likely pathogenic for GP9-related disorders. Last evaluated: 2022-08-11. Review status: criteria provided, single submitter. Criteria: ACMG Guidelines, 2015. Collection method: clinical testing. Allele origin: germline. Affected: yes. Observed: 1 variant allele. Not counted in ClinVar's aggregate classification.

Literature cited by the submitters: PubMed 25370924 (cited by Women's Health and Genetics/Laboratory Corporation of America, LabCorp); PubMed 23402648 (cited by Women's Health and Genetics/Laboratory Corporation of America, LabCorp).

NM_000174.5(GP9):c.404G>A (p.Cys135Tyr)

Gene: GP9 (glycoprotein IX platelet; plus strand). Cytogenetic location: 3q21.3.
Variant type: single nucleotide variant.
Coding change: c.404G>A on transcript NM_000174.5 (MANE Select); coding-DNA position 404, G replaced by A.
Protein change: p.Cys135Tyr; replaces cysteine 135 with tyrosine.
Molecular consequence: missense variant.
Genome position (GRCh38, 1-based): chr3:129,062,143, G>A. VCF-style: chr3-129062143-G-A. GRCh37 (hg19) VCF-style: chr3-128780986-G-A.
Other names: short protein forms C135Y.
Identifiers: ClinVar variation 4687494 (VCV004687494.3).
Genomic context (GRCh38, chr3:129,062,143, plus strand): 5'-GCCCCAGCCTCGCTGCCCATGGCCCGCTGGGCCGGCTGACAGGCTACCAGCTGGGCAGCT[G>A]TGGCTGGCAGCTGCAGGCGTCCTGGGTGCGCCCGGGGGTCTTGTGGGACGTGGCGCTGGT-3'
Protein context (NP_000165.1, residues 125-145): GRLTGYQLGS[Cys135Tyr]GWQLQASWVR